The following is an entry in ClinVar:

NM_001085487.3(MYSM1):c.427A>G (p.Ile143Val)

Gene: MYSM1 (Myb like, SWIRM and MPN domains 1; minus strand). Cytogenetic location: 1p32.1.
Variant type: single nucleotide variant.
Coding change: c.427A>G on transcript NM_001085487.3 (MANE Select); coding-DNA position 427, A replaced by G.
Protein change: p.Ile143Val; replaces isoleucine 143 with valine.
Molecular consequence: missense variant.
Genome position (GRCh38, 1-based): chr1:58,685,224, T>C on the plus strand (A>G on the coding strand, the complement: MYSM1 is on the minus strand). VCF-style: chr1-58685224-T-C. GRCh37 (hg19) VCF-style: chr1-59150896-T-C.
Other names: c.427A>G (NM_001085487.2); short protein forms I143V.
Identifiers: ClinVar variation 1514144 (VCV001514144.9), dbSNP rs2100658775, ClinGen allele CA340531945.

ClinVar aggregate classification (germline): Uncertain significance. Review status: criteria provided, multiple submitters, no conflicts (2 of 4 stars). 3 submissions from 3 submitters: Uncertain significance (3). Last evaluated 2022-12-09.

Conditions:
Inborn genetic diseases. Identifiers: MedGen C0950123, MeSH D030342.

Allele frequency attached by ClinVar (database versions not stated): gnomAD exomes below 0.00001.
gnomAD v4.1: 2 of 1,608,050 alleles (0.00012%); highest among the groups gnomAD compares: Non-Finnish European, 0.00017%; no homozygotes.

Submissions (3):

GeneDx
Classification: Uncertain significance. Last evaluated: 2022-12-09. Review status: criteria provided, single submitter. Criteria: GeneDx Variant Classification Process June 2021. Collection method: clinical testing. Allele origin: germline. Affected: yes.
Comment: Not observed at significant frequency in large population cohorts (gnomAD); In silico analysis supports that this missense variant does not alter protein structure/function; Has not been previously published as pathogenic or benign to our knowledge

Ambry Genetics
Classification: Uncertain significance for Inborn genetic diseases. Last evaluated: 2022-06-30. Review status: criteria provided, single submitter. Criteria: Ambry Variant Classification Scheme 2023. Collection method: clinical testing. Allele origin: germline.

Labcorp Genetics (formerly Invitae), Labcorp
Classification: Uncertain significance. Last evaluated: 2022-01-27. Review status: criteria provided, single submitter. Criteria: Invitae Variant Classification Sherloc (09022015). Collection method: clinical testing. Allele origin: germline.
Comment: In summary, the available evidence is currently insufficient to determine the role of this variant in disease. Therefore, it has been classified as a Variant of Uncertain Significance. Algorithms developed to predict the effect of missense changes on protein structure and function are either unavailable or do not agree on the potential impact of this missense change (SIFT: "Tolerated"; PolyPhen-2: "Probably Damaging"; Align-GVGD: "Class C0"). This variant has not been reported in the literature in individuals affected with MYSM1-related conditions. This variant is not present in population databases (gnomAD no frequency). This sequence change replaces isoleucine, which is neutral and non-polar, with valine, which is neutral and non-polar, at codon 143 of the MYSM1 protein (p.Ile143Val).